The following is an entry in ClinVar:

NM_004655.4(AXIN2):c.1775T>C (p.Leu592Pro)

Gene: AXIN2 (axin 2; minus strand). Cytogenetic location: 17q24.1.
Variant type: single nucleotide variant.
Coding change: c.1775T>C on transcript NM_004655.4 (MANE Select); coding-DNA position 1775, T replaced by C.
Protein change: p.Leu592Pro; replaces leucine 592 with proline.
Molecular consequence: missense variant. On other transcripts: intron variant (1).
Genome position (GRCh38, 1-based): chr17:65,537,001, A>G on the plus strand (T>C on the coding strand, the complement: AXIN2 is on the minus strand). VCF-style: chr17-65537001-A-G. GRCh37 (hg19) VCF-style: chr17-63533119-A-G.
Other names: c.1712+323T>C (NM_001363813.1); short protein forms L592P.
Identifiers: ClinVar variation 1779870 (VCV001779870.2), dbSNP rs2509408293, ClinGen allele CA400676645.
Genomic context (GRCh38, chr17:65,537,001, plus strand): 5'-TCCTCCCGGGGAAGCTGCAGGGCCCCAGCTCCGCCGGGGGCCCCTCCTTCCCTGGCGGGC[A>G]GGGCCAGGCCCGGCTCCGTGCCTTTCCCATTGCGTTTGGGCAAGGTACTGCCTCTGCTGC-3'
Protein context (NP_004646.3, residues 582-602): NGKGTEPGLA[Leu592Pro]PAREGGAPGG

ClinVar aggregate classification (germline): Uncertain significance (1 of 4 stars; one submission).

Conditions:
Hereditary cancer-predisposing syndrome. Also called: Neoplastic Syndromes, Hereditary; Tumor predisposition; Hereditary Cancer Syndrome; Hereditary neoplastic syndrome. Identifiers: Orphanet 140162, MedGen C0027672, MeSH D009386, MONDO:0015356.

Submission:

Ambry Genetics
Classification: Uncertain significance for Hereditary cancer-predisposing syndrome. Last evaluated: 2022-08-30. Review status: criteria provided, single submitter. Criteria: Ambry Variant Classification Scheme 2023. Collection method: clinical testing. Allele origin: germline.
Comment: The p.L592P variant (also known as c.1775T>C), located in coding exon 6 of the AXIN2 gene, results from a T to C substitution at nucleotide position 1775. The leucine at codon 592 is replaced by proline, an amino acid with similar properties. This amino acid position is conserved. In addition, this alteration is predicted to be tolerated by in silico analysis. Since supporting evidence is limited at this time, the clinical significance of this alteration remains unclear.